The following is an entry in ClinVar:

NM_001369268.1(ACAN):c.495C>T (p.Thr165=)

Gene: ACAN (aggrecan; plus strand). Cytogenetic location: 15q26.1.
Variant type: single nucleotide variant.
Coding change: c.495C>T on transcript NM_001369268.1 (MANE Select); coding-DNA position 495, C replaced by T.
Protein change: p.Thr165=; no amino-acid change (threonine 165 retained).
Molecular consequence: synonymous variant.
Genome position (GRCh38, 1-based): chr15:88,840,052, C>T. VCF-style: chr15-88840052-C-T. GRCh37 (hg19) VCF-style: chr15-89383283-C-T.
Other names: c.495C>T, p.Thr165= (NM_001135.4, NM_001411096.1, NM_001411097.1 and 1 more transcripts).
Identifiers: ClinVar variation 2020551 (VCV002020551.4), dbSNP rs1320765611, ClinGen allele CA492057737.

ClinVar aggregate classification (germline): Uncertain significance (1 of 4 stars; one submission).

Allele frequency attached by ClinVar (database versions not stated): gnomAD exomes below 0.00001.
gnomAD v4.1: 1 of 1,603,086 alleles (0.000062%); highest among the groups gnomAD compares: Admixed American, 0.0017%; no homozygotes.

Submission:

Labcorp Genetics (formerly Invitae), Labcorp
Classification: Uncertain significance. Last evaluated: 2024-09-27. Review status: criteria provided, single submitter. Criteria: Invitae Variant Classification Sherloc (09022015). Collection method: clinical testing. Allele origin: germline.
Comment: This sequence change affects codon 165 of the ACAN mRNA. It is a 'silent' change, meaning that it does not change the encoded amino acid sequence of the ACAN protein. This variant is present in population databases (no rsID available, gnomAD 0.003%). This variant has not been reported in the literature in individuals affected with ACAN-related conditions. ClinVar contains an entry for this variant (Variation ID: 2020551). Algorithms developed to predict the effect of sequence changes on RNA splicing suggest that this variant may create or strengthen a splice site. In summary, the available evidence is currently insufficient to determine the role of this variant in disease. Therefore, it has been classified as a Variant of Uncertain Significance.